The following is an entry in ClinVar:

ClinVar aggregate classification (germline): Uncertain significance (1 of 4 stars; one submission).

Submission:

GeneDx
Classification: Uncertain significance. Last evaluated: 2024-10-13. Review status: criteria provided, single submitter. Criteria: GeneDx Variant Classification Process June 2021. Collection method: clinical testing. Allele origin: germline. Affected: yes.
Comment: Not observed at significant frequency in large population cohorts (gnomAD); In silico analysis supports that this missense variant has a deleterious effect on protein structure/function; Has not been previously published as pathogenic or benign to our knowledge

NM_001395002.1(MAP4K4):c.3791C>T (p.Pro1264Leu)

Gene: MAP4K4 (mitogen-activated protein kinase kinase kinase kinase 4; plus strand). Cytogenetic location: 2q11.2.
Variant type: single nucleotide variant.
Coding change: c.3791C>T on transcript NM_001395002.1 (MANE Select); coding-DNA position 3791, C replaced by T.
Protein change: p.Pro1264Leu; replaces proline 1264 with leucine.
Molecular consequence: missense variant. On other transcripts: non-coding transcript variant (4).
Genome position (GRCh38, 1-based): chr2:101,887,797, C>T. VCF-style: chr2-101887797-C-T. GRCh37 (hg19) VCF-style: chr2-102504259-C-T.
Other names: c.3356C>T, p.Pro1119Leu (NM_001242559.2); c.3344C>T, p.Pro1115Leu (NM_001242560.2); c.3434C>T, p.Pro1145Leu (NM_001384476.1); c.3623C>T, p.Pro1208Leu (NM_001384477.1); c.3113C>T, p.Pro1038Leu (NM_001384478.1); c.3575C>T, p.Pro1192Leu (NM_001384481.1); c.3104C>T, p.Pro1035Leu (NM_001384482.1); c.3386C>T, p.Pro1129Leu (NM_001384483.1); and 40 more; short protein forms P1029L, P1035L, P1038L, P1045L, P1057L, P1068L, P1069L, P1080L.
Identifiers: ClinVar variation 3777275 (VCV003777275.1).